The following is an entry in ClinVar:

NM_005026.5(PIK3CD):c.2761A>G (p.Thr921Ala)

Gene: PIK3CD (phosphatidylinositol-4,5-bisphosphate 3-kinase catalytic subunit delta; plus strand). Cytogenetic location: 1p36.22.
Variant type: single nucleotide variant.
Coding change: c.2761A>G on transcript NM_005026.5 (MANE Select); coding-DNA position 2761, A replaced by G.
Protein change: p.Thr921Ala; replaces threonine 921 with alanine.
Molecular consequence: missense variant.
Genome position (GRCh38, 1-based): chr1:9,724,318, A>G. VCF-style: chr1-9724318-A-G. GRCh37 (hg19) VCF-style: chr1-9784376-A-G.
Other names: c.2758A>G, p.Thr920Ala (NM_001350234.2); c.2674A>G, p.Thr892Ala (NM_001350235.1); short protein forms T920A, T892A, T921A.
Identifiers: ClinVar variation 2818497 (VCV002818497.3), dbSNP rs2525160394, ClinGen allele CA338307935.

ClinVar aggregate classification (germline): Uncertain significance (1 of 4 stars; one submission).

Conditions:
Immunodeficiency 14 (IMD14A). Also called: p110-DELTA-ACTIVATING MUTATION CAUSING SENESCENT T CELLS, LYMPHADENOPATHY, AND IMMUNODEFICIENCY; IMMUNODEFICIENCY 14A WITH LYMPHOPROLIFERATION, AUTOSOMAL DOMINANT; ACTIVATED PI3K-DELTA SYNDROME 1; Activated PI3K Delta Syndrome Type 1 (APDS1). Identifiers: Orphanet 397596, Orphanet 693661, MedGen C5907821, MONDO:0014222, OMIM 615513.

Submission:

Labcorp Genetics (formerly Invitae), Labcorp
Classification: Uncertain significance for Activated PI3K-delta syndrome. Last evaluated: 2022-12-04. Review status: criteria provided, single submitter. Criteria: Invitae Variant Classification Sherloc (09022015). Collection method: clinical testing. Allele origin: germline.
Comment: In summary, the available evidence is currently insufficient to determine the role of this variant in disease. Therefore, it has been classified as a Variant of Uncertain Significance. Advanced modeling of protein sequence and biophysical properties (such as structural, functional, and spatial information, amino acid conservation, physicochemical variation, residue mobility, and thermodynamic stability) performed at Invitae indicates that this missense variant is expected to disrupt PIK3CD protein function. This variant has not been reported in the literature in individuals affected with PIK3CD-related conditions. This variant is not present in population databases (gnomAD no frequency). This sequence change replaces threonine, which is neutral and polar, with alanine, which is neutral and non-polar, at codon 921 of the PIK3CD protein (p.Thr921Ala).